The following is an entry in ClinVar:

NM_001377540.1(SLMAP):c.2441A>G (p.Asn814Ser)

Gene: SLMAP (sarcolemma associated protein; plus strand). Cytogenetic location: 3p14.3.
Variant type: single nucleotide variant.
Coding change: c.2441A>G on transcript NM_001377540.1 (MANE Select); coding-DNA position 2441, A replaced by G.
Protein change: p.Asn814Ser; replaces asparagine 814 with serine.
Molecular consequence: missense variant. On other transcripts: non-coding transcript variant (1).
Genome position (GRCh38, 1-based): chr3:57,923,019, A>G. VCF-style: chr3-57923019-A-G. GRCh37 (hg19) VCF-style: chr3-57908746-A-G.
Other names: c.2390A>G, p.Asn797Ser (NM_001304420.3, NM_001377541.1, NM_001377542.1); c.2276A>G, p.Asn759Ser (NM_001304421.2, NM_001377557.1, NM_001377559.1); c.992A>G, p.Asn331Ser (NM_001304422.3, NM_001311178.2); c.794A>G, p.Asn265Ser (NM_001304423.3); c.2462A>G, p.Asn821Ser (NM_001377538.1); c.2441A>G, p.Asn814Ser (NM_001377539.1); c.2378A>G, p.Asn793Ser (NM_001377545.1); c.2339A>G, p.Asn780Ser (NM_001377549.1, NM_007159.5); and 9 more; short protein forms N718S, N814S, N290S, N735S, N756S, N773S, N797S, N821S.
Identifiers: ClinVar variation 1938005 (VCV001938005.7), dbSNP rs756746300, ClinGen allele CA2467376.

ClinVar aggregate classification (germline): Uncertain significance. Review status: criteria provided, multiple submitters, no conflicts (2 of 4 stars). 2 submissions from 2 submitters: Uncertain significance (2). Last evaluated 2025-08-24.

Conditions:
Brugada syndrome. Also called: Sudden unexplained nocturnal death syndrome; Sudden unexpected nocturnal death syndrome; Sudden Unexplained Death Syndrome; Sudden Unexplained Nocturnal Death Syndrome (SUNDS). Identifiers: Orphanet 130, MedGen C1142166, MONDO:0015263.

Allele frequency attached by ClinVar (database versions not stated): TOPMed below 0.00001; gnomAD exomes 0.00001; ExAC 0.00002.
gnomAD v4.1: 3 of 1,613,570 alleles (0.00019%); highest among the groups gnomAD compares: East Asian, 0.0022%; no homozygotes.

Submissions (2):

Ambry Genetics
Classification: Uncertain significance. Last evaluated: 2025-08-24. Review status: criteria provided, single submitter. Criteria: Ambry Variant Classification Scheme 2023. Collection method: clinical testing. Allele origin: germline.
Comment: The p.N780S variant (also known as c.2339A>G), located in coding exon 20 of the SLMAP gene, results from an A to G substitution at nucleotide position 2339. The asparagine at codon 780 is replaced by serine, an amino acid with highly similar properties. This amino acid position is conserved. In addition, this alteration is predicted to be tolerated by in silico analysis. Based on the available evidence, the clinical significance of this variant remains unclear.

Labcorp Genetics (formerly Invitae), Labcorp
Classification: Uncertain significance for Brugada syndrome. Last evaluated: 2023-07-10. Review status: criteria provided, single submitter. Criteria: Invitae Variant Classification Sherloc (09022015). Collection method: clinical testing. Allele origin: germline.
Comment: In summary, the available evidence is currently insufficient to determine the role of this variant in disease. Therefore, it has been classified as a Variant of Uncertain Significance. An algorithm developed to predict the effect of missense changes on protein structure and function (PolyPhen-2) suggests that this variant is likely to be tolerated. ClinVar contains an entry for this variant (Variation ID: 1938005). This variant has not been reported in the literature in individuals affected with SLMAP-related conditions. This variant is present in population databases (rs756746300, gnomAD 0.02%). This sequence change replaces asparagine, which is neutral and polar, with serine, which is neutral and polar, at codon 780 of the SLMAP protein (p.Asn780Ser).